The following is an entry in ClinVar:

ClinVar aggregate classification (germline): Uncertain significance (1 of 4 stars; one submission).

Allele frequency attached by ClinVar (database versions not stated): gnomAD exomes below 0.00001; TOPMed below 0.00001; gnomAD 0.00001.

Submission:

GeneDx
Classification: Uncertain significance. Last evaluated: 2022-09-14. Review status: criteria provided, single submitter. Criteria: GeneDx Variant Classification Process June 2021. Collection method: clinical testing. Allele origin: germline. Affected: yes.
Comment: Not observed at significant frequency in large population cohorts (gnomAD); In silico analysis supports that this missense variant has a deleterious effect on protein structure/function; Has not been previously published as pathogenic or benign to our knowledge

NM_177550.5(SLC13A5):c.1635C>G (p.Asn545Lys)

Gene: SLC13A5 (solute carrier family 13 member 5; minus strand). Cytogenetic location: 17p13.1.
Variant type: single nucleotide variant.
Coding change: c.1635C>G on transcript NM_177550.5 (MANE Select); coding-DNA position 1635, C replaced by G.
Protein change: p.Asn545Lys; replaces asparagine 545 with lysine.
Molecular consequence: missense variant.
Genome position (GRCh38, 1-based): chr17:6,686,279, G>C on the plus strand (C>G on the coding strand, the complement: SLC13A5 is on the minus strand). VCF-style: chr17-6686279-G-C. GRCh37 (hg19) VCF-style: chr17-6589598-G-C.
Other names: c.1497C>G, p.Asn499Lys (NM_001143838.3); c.1584C>G, p.Asn528Lys (NM_001284509.2); c.1506C>G, p.Asn502Lys (NM_001284510.2); short protein forms N499K, N502K, N528K, N545K.
Identifiers: ClinVar variation 2444707 (VCV002444707.1), dbSNP rs1448653288, ClinGen allele CA397737011.
Genomic context (GRCh38, chr17:6,686,279, plus strand): 5'-ATGTGTCACATTAGCCCAGTCAGGGAAATGATCCAAGTCAAATATGGCCCGTCCCCAGGT[G>C]TTGACAGCCAAAAACACACAGAAGACTCCAATTATGTTCATTATGACTCCTGTTTTCACC-3'
Protein context (NP_808218.1, residues 535-555): IGVFCVFLAV[Asn545Lys]TWGRAIFDLD